The following is an entry in ClinVar:

ClinVar aggregate classification (germline): Uncertain significance (1 of 4 stars; one submission).

Submission:

Labcorp Genetics (formerly Invitae), Labcorp
Classification: Uncertain significance. Last evaluated: 2026-01-12. Review status: criteria provided, single submitter. Criteria: Invitae Variant Classification Sherloc (09022015). Collection method: clinical testing. Allele origin: germline.
Comment: This sequence change replaces asparagine, which is neutral and polar, with isoleucine, which is neutral and non-polar, at codon 189 of the ADAMTS13 protein (p.Asn189Ile). This variant is not present in population databases (gnomAD no frequency). This variant has not been reported in the literature in individuals affected with ADAMTS13-related conditions. ClinVar contains an entry for this variant (Variation ID: 2094941). Invitae Evidence Modeling of protein sequence and biophysical properties (such as structural, functional, and spatial information, amino acid conservation, physicochemical variation, residue mobility, and thermodynamic stability) indicates that this missense variant is expected to disrupt ADAMTS13 protein function with a positive predictive value of 80%. In summary, the available evidence is currently insufficient to determine the role of this variant in disease. Therefore, it has been classified as a Variant of Uncertain Significance.

NM_139027.6(ADAMTS13):c.566A>T (p.Asn189Ile)

Gene: ADAMTS13 (ADAM metallopeptidase with thrombospondin type 1 motif 13; plus strand). Cytogenetic location: 9q34.2.
Variant type: single nucleotide variant.
Coding change: c.566A>T on transcript NM_139027.6 (MANE Select); coding-DNA position 566, A replaced by T.
Protein change: p.Asn189Ile; replaces asparagine 189 with isoleucine.
Molecular consequence: missense variant. On other transcripts: non-coding transcript variant (1).
Genome position (GRCh38, 1-based): chr9:133,426,225, A>T. VCF-style: chr9-133426225-A-T. GRCh37 (hg19) VCF-style: chr9-136291345-A-T.
Other names: c.566A>T, p.Asn189Ile (NM_139025.5, NM_139026.6); short protein forms N189I.
Identifiers: ClinVar variation 2094941 (VCV002094941.4), dbSNP rs2491078779, ClinGen allele CA375383205.
Genomic context (GRCh38, chr9:133,426,225, plus strand): 5'-GGCACCACCCAAGTGACTGTTTTCTCTCACCGAGGTTTGACCTGGAGTTGCCTGATGGTA[A>T]CCGGCAGGTGCGGGGCGTCACCCAGCTGGGCGGTGCCTGCTCCCCAACCTGGAGCTGCCT-3'
Protein context (NP_620596.2, residues 179-199): TRFDLELPDG[Asn189Ile]RQVRGVTQLG